The following is an entry in ClinVar:

NM_020975.6(RET):c.1646A>G (p.Lys549Arg)

Gene: RET (ret proto-oncogene; plus strand). Cytogenetic location: 10q11.21.
Variant type: single nucleotide variant.
Coding change: c.1646A>G on transcript NM_020975.6 (MANE Select); coding-DNA position 1646, A replaced by G.
Protein change: p.Lys549Arg; replaces lysine 549 with arginine.
Molecular consequence: missense variant.
Genome position (GRCh38, 1-based): chr10:43,112,222, A>G. VCF-style: chr10-43112222-A-G. GRCh37 (hg19) VCF-style: chr10-43607670-A-G.
Other names: c.1646A>G, p.Lys549Arg (NM_000323.2, NM_001406743.1, NM_001406744.1 and 6 more transcripts); c.884A>G, p.Lys295Arg (NM_001355216.2); c.1517A>G, p.Lys506Arg (NM_001406761.1, NM_001406762.1, NM_001406764.1 and 1 more transcripts); c.1358A>G, p.Lys453Arg (NM_001406766.1, NM_001406767.1, NM_001406770.1); c.1250A>G, p.Lys417Arg (NM_001406769.1, NM_001406772.1); c.1208A>G, p.Lys403Arg (NM_001406771.1, NM_001406773.1); c.1121A>G, p.Lys374Arg (NM_001406774.1); c.920A>G, p.Lys307Arg (NM_001406775.1, NM_001406776.1, NM_001406777.1 and 1 more transcripts); and 5 more; short protein forms K295R, K549R, K154R, K207R, K307R, K453R, K66R, K250R.
Identifiers: ClinVar variation 864073 (VCV000864073.10), dbSNP rs1837955731, ClinGen allele CA376550901.
Genomic context (GRCh38, chr10:43,112,222, plus strand): 5'-AGGAGTGTGGCGGCCTGGGCTCCCCAACAGGCAGGTGTGAGTGGAGGCAAGGAGATGGCA[A>G]AGGTAAGCCCTGGAAACGCCCAAGGGAGGCCTGCAGGGGCGATGGCACCGGTGGAAACGG-3'
Protein context (NP_066124.1, residues 539-559): GRCEWRQGDG[Lys549Arg]GITRNFSTCS

ClinVar aggregate classification (germline): Uncertain significance (1 of 4 stars; one submission).

Conditions:
Multiple endocrine neoplasia, type 2 (MEN2). Identifiers: Orphanet 653, MedGen C4048306, MONDO:0019003. Disease mechanism: gain of function.

Submission:

Labcorp Genetics (formerly Invitae), Labcorp
Classification: Uncertain significance for Multiple endocrine neoplasia, type 2. Last evaluated: 2019-12-03. Review status: criteria provided, single submitter. Criteria: Invitae Variant Classification Sherloc (09022015). Collection method: clinical testing. Allele origin: germline.
Comment: In summary, the available evidence is currently insufficient to determine the role of this variant in disease. Therefore, it has been classified as a Variant of Uncertain Significance. Algorithms developed to predict the effect of missense changes on protein structure and function are either unavailable or do not agree on the potential impact of this missense change (SIFT: "Tolerated"; PolyPhen-2: "Probably Damaging"; Align-GVGD: "Class C0"). This variant has not been reported in the literature in individuals with RET-related conditions. This variant is not present in population databases (ExAC no frequency). This sequence change replaces lysine with arginine at codon 549 of the RET protein (p.Lys549Arg). The lysine residue is highly conserved and there is a small physicochemical difference between lysine and arginine.